The following is an entry in ClinVar:

NM_000094.4(COL7A1):c.109G>A (p.Ala37Thr)

Gene: COL7A1 (collagen type VII alpha 1 chain; minus strand). Cytogenetic location: 3p21.31.
Variant type: single nucleotide variant.
Coding change: c.109G>A on transcript NM_000094.4 (MANE Select); coding-DNA position 109, G replaced by A.
Protein change: p.Ala37Thr; replaces alanine 37 with threonine.
Molecular consequence: missense variant.
Genome position (GRCh38, 1-based): chr3:48,594,525, C>T on the plus strand (G>A on the coding strand, the complement: COL7A1 is on the minus strand). VCF-style: chr3-48594525-C-T. GRCh37 (hg19) VCF-style: chr3-48631958-C-T.
Other names: short protein forms A37T.
Identifiers: ClinVar variation 3707711 (VCV003707711.3).
Genomic context (GRCh38, chr3:48,594,525, plus strand): 5'-CCTCGCGGAAATTGCTGCGGCCAATGGATGAGGAGCCATCCAGTAAGAACACAATGTCAG[C>T]GGCGTAAAGGCGCGTGCAGGTCACTGGGGCGGGCAGGAGAGATCAGGGCCTCTTCTGGGA-3'
Protein context (NP_000085.1, residues 27-47): ERVTCTRLYA[Ala37Thr]DIVFLLDGSS

ClinVar aggregate classification (germline): Uncertain significance. Review status: criteria provided, multiple submitters, no conflicts (2 of 4 stars). 2 submissions from 2 submitters: Uncertain significance (2). Last evaluated 2024-12-14.

gnomAD v4.1: 6 of 1,608,828 alleles (0.00037%); highest among the groups gnomAD compares: Admixed American, 0.0034%; no homozygotes.

Submissions (2):

Women's Health and Genetics/Laboratory Corporation of America, LabCorp
Classification: Uncertain significance. Last evaluated: 2024-12-14. Review status: criteria provided, single submitter. Criteria: LabCorp Variant Classification Summary - May 2015. Collection method: clinical testing. Allele origin: germline.

Labcorp Genetics (formerly Invitae), Labcorp
Classification: Uncertain significance. Last evaluated: 2024-11-04. Review status: criteria provided, single submitter. Criteria: Invitae Variant Classification Sherloc (09022015). Collection method: clinical testing. Allele origin: germline.
Comment: This sequence change replaces alanine, which is neutral and non-polar, with threonine, which is neutral and polar, at codon 37 of the COL7A1 protein (p.Ala37Thr). This variant is not present in population databases (gnomAD no frequency). This variant has not been reported in the literature in individuals affected with COL7A1-related conditions. Invitae Evidence Modeling of protein sequence and biophysical properties (such as structural, functional, and spatial information, amino acid conservation, physicochemical variation, residue mobility, and thermodynamic stability) has been performed for this missense variant. However, the output from this modeling did not meet the statistical confidence thresholds required to predict the impact of this variant on COL7A1 protein function. In summary, the available evidence is currently insufficient to determine the role of this variant in disease. Therefore, it has been classified as a Variant of Uncertain Significance.